The following is an entry in ClinVar:

NM_002878.4(RAD51D):c.694dup (p.Arg232fs)

Genes: RAD51L3-RFFL (RAD51L3-RFFL readthrough; minus strand), RAD51D (RAD51 paralog D; minus strand). Cytogenetic location: 17q12.
Variant type: Duplication.
Coding change: c.694dup on transcript NM_002878.4 (MANE Select); coding-DNA position 694, one base duplicated (C; older notation c.694dupC).
Protein change: p.Arg232fs; shifts the reading frame from arginine 232.
Molecular consequence: frameshift variant. On other transcripts: non-coding transcript variant (3).
Genome position (GRCh38, 1-based): chr17:35,103,298, G duplicated on the plus strand (C on the coding strand, the reverse complement: RAD51D is on the minus strand); the first of 3 consecutive G bases (chr17:35,103,298-35,103,300); duplicating any one gives the same sequence. VCF-style (leftmost placement, unchanged base first): chr17-35103297-C-CG. GRCh37 (hg19) VCF-style: chr17-33430316-C-CG.
Other names: c.754dup, p.Arg252fs (NM_001142571.2); c.358dup, p.Arg120fs (NM_133629.3); c.694dupC (NM_002878.3); short protein forms R120fs, R232fs, R252fs.
Identifiers: ClinVar variation 3379242 (VCV003379242.4).

ClinVar aggregate classification (germline): Likely pathogenic. Review status: criteria provided, multiple submitters, no conflicts (2 of 4 stars). 3 submissions from 3 submitters: Likely pathogenic (3). Last evaluated 2025-04-03.

Conditions:
Hereditary cancer-predisposing syndrome. Also called: Neoplastic Syndromes, Hereditary; Tumor predisposition; Hereditary Cancer Syndrome; Hereditary neoplastic syndrome. Identifiers: Orphanet 140162, MedGen C0027672, MeSH D009386, MONDO:0015356.
Breast-ovarian cancer, familial, susceptibility to, 4. Identifiers: Orphanet 145, MedGen C3280345, MONDO:0013669, OMIM 614291.

Submissions (3):

Ambry Genetics
Classification: Likely pathogenic for Hereditary cancer-predisposing syndrome. Last evaluated: 2025-04-03. Review status: criteria provided, single submitter. Criteria: Ambry Variant Classification Scheme 2023. Collection method: clinical testing. Allele origin: germline.
Comment: The c.694dupC variant, located in coding exon 8 of the RAD51D gene, results from a duplication of C at nucleotide position 694, causing a translational frameshift with a predicted alternate stop codon (p.R232Pfs*95). This alteration occurs at the 3' terminus of theRAD51D gene, is not expected to trigger nonsense-mediated mRNA decay, and impacts the last 30% of the protein. However, premature stop codons are typically deleterious in nature and a significant portion of the protein is affected (Ambry internal data). This variant is considered to be rare based on population cohorts in the Genome Aggregation Database (gnomAD). Based on the majority of available evidence to date, this variant is likely to be pathogenic.

Myriad Genetics, Inc.
Classification: Likely pathogenic for Breast-ovarian cancer, familial, susceptibility to, 4. Last evaluated: 2024-07-11. Review status: criteria provided, single submitter. Criteria: Myriad Autosomal Dominant, Autosomal Recessive and X-Linked Classification Criteria (2023). Collection method: clinical testing. Allele origin: unknown.
Comment: This variant is considered likely pathogenic. This variant creates a frameshift predicted to result in premature protein truncation.

Labcorp Genetics (formerly Invitae), Labcorp
Classification: Likely pathogenic for Breast-ovarian cancer, familial, susceptibility to, 4. Last evaluated: 2024-02-23. Review status: criteria provided, single submitter. Criteria: Invitae Variant Classification Sherloc (09022015). Collection method: clinical testing. Allele origin: germline.
Comment: This sequence change creates a premature translational stop signal (p.Arg232Profs*95) in the RAD51D gene. While this is not anticipated to result in nonsense mediated decay, it is expected to disrupt the last 97 amino acid(s) of the RAD51D protein. This variant is not present in population databases (gnomAD no frequency). This variant has not been reported in the literature in individuals affected with RAD51D-related conditions. Algorithms developed to predict the effect of sequence changes on RNA splicing suggest that this variant may disrupt the consensus splice site. This variant disrupts the ATPase domain and RAD51C interaction domain of the RAD51D protein, which are necessary for the DNA repair activity (PMID: 14704354, 19327148, 21111057, 10749867). While functional studies have not been performed to directly test the effect of this variant on RAD51D protein function, this suggests that disruption of this region of the protein is causative of disease. In summary, the currently available evidence indicates that the variant is pathogenic, but additional data are needed to prove that conclusively. Therefore, this variant has been classified as Likely Pathogenic.

Literature cited by the submitters: PubMed 14704354 (cited by Labcorp Genetics (formerly Invitae), Labcorp); PubMed 19327148 (cited by Labcorp Genetics (formerly Invitae), Labcorp); PubMed 21111057 (cited by Labcorp Genetics (formerly Invitae), Labcorp); PubMed 10749867 (cited by Labcorp Genetics (formerly Invitae), Labcorp).